The following is an entry in ClinVar:

ClinVar aggregate classification (germline): Uncertain significance. Review status: criteria provided, multiple submitters, no conflicts (2 of 4 stars). 5 submissions from 5 submitters: Uncertain significance (4). 1 of the submissions does not count toward it. Last evaluated 2026-01-22.

Conditions:
POLE-related disorder. Also called: POLE-related disorders; POLE-related condition.
Hereditary cancer-predisposing syndrome. Also called: Tumor predisposition; Neoplastic Syndromes, Hereditary; Hereditary Cancer Syndrome; Hereditary neoplastic syndrome. Identifiers: Orphanet 140162, MedGen C0027672, MeSH D009386, MONDO:0015356.

Allele frequency attached by ClinVar (database versions not stated): TOPMed 0.00001; ExAC 0.00002; gnomAD exomes 0.00002 and 0.00004.
gnomAD v4.1: 58 of 1,613,566 alleles (0.0036%); highest among the groups gnomAD compares: South Asian, 0.012%; no homozygotes.

Submissions (5):

Labcorp Genetics (formerly Invitae), Labcorp
Classification: Uncertain significance. Last evaluated: 2026-01-22. Review status: criteria provided, single submitter. Criteria: Invitae Variant Classification Sherloc (09022015). Collection method: clinical testing. Allele origin: germline.
Comment: This sequence change replaces arginine, which is basic and polar, with cysteine, which is neutral and slightly polar, at codon 1634 of the POLE protein (p.Arg1634Cys). This variant is present in population databases (rs769762523, gnomAD 0.02%). This variant has not been reported in the literature in individuals affected with POLE-related conditions. ClinVar contains an entry for this variant (Variation ID: 240544). Invitae Evidence Modeling of protein sequence and biophysical properties (such as structural, functional, and spatial information, amino acid conservation, physicochemical variation, residue mobility, and thermodynamic stability) indicates that this missense variant is not expected to disrupt POLE protein function with a negative predictive value of 80%. In summary, the available evidence is currently insufficient to determine the role of this variant in disease. Therefore, it has been classified as a Variant of Uncertain Significance.

Ambry Genetics
Classification: Uncertain significance for Hereditary cancer-predisposing syndrome. Last evaluated: 2025-10-28. Review status: criteria provided, single submitter. Criteria: Ambry Variant Classification Scheme 2023. Collection method: clinical testing. Allele origin: germline.
Comment: The p.R1634C variant (also known as c.4900C>T), located in coding exon 37 of the POLE gene, results from a C to T substitution at nucleotide position 4900. The arginine at codon 1634 is replaced by cysteine, an amino acid with highly dissimilar properties. This amino acid position is conserved. In addition, the in silico prediction for this alteration is inconclusive. Since supporting evidence is limited at this time, the clinical significance of this alteration remains unclear.

Center for Genomic Medicine, Rigshospitalet, Copenhagen University Hospital
Classification: Uncertain significance. Last evaluated: 2025-03-04. Review status: criteria provided, single submitter. Criteria: ACMG Guidelines, 2015. Collection method: clinical testing. Allele origin: germline.

GeneDx
Classification: Uncertain significance. Last evaluated: 2023-07-06. Review status: criteria provided, single submitter. Criteria: GeneDx Variant Classification Process June 2021. Collection method: clinical testing. Allele origin: germline. Affected: yes.
Comment: In silico analysis supports that this missense variant has a deleterious effect on protein structure/function; Observed in an individual with primary ovarian insufficiency (Rossetti et al., 2021); This variant is associated with the following publications: (PMID: 34803902)

PreventionGenetics, part of Exact Sciences
Classification: Uncertain significance for POLE-related condition. Last evaluated: 2023-12-31. Review status: no assertion criteria provided. Collection method: clinical testing. Allele origin: germline. Not counted in ClinVar's aggregate classification.
Comment: The POLE c.4900C>T variant is predicted to result in the amino acid substitution p.Arg1634Cys. This variant has been reported in an individual with primary amenorrhea: However, this individual harbored variants in other genes (Table 1, Rossetti et al. 2021. PubMed ID: 34803902). This variant is reported in 0.016% of alleles in individuals of South Asian descent in gnomAD. It is interpreted as uncertain significance in ClinVar. At this time, the clinical significance of this variant is uncertain due to the absence of conclusive functional and genetic evidence.

NM_006231.4(POLE):c.4900C>T (p.Arg1634Cys)

Gene: POLE (DNA polymerase epsilon, catalytic subunit; minus strand). Cytogenetic location: 12q24.33.
Variant type: single nucleotide variant.
Coding change: c.4900C>T on transcript NM_006231.4 (MANE Select); coding-DNA position 4900, C replaced by T.
Protein change: p.Arg1634Cys; replaces arginine 1634 with cysteine.
Molecular consequence: missense variant.
Genome position (GRCh38, 1-based): chr12:132,642,558, G>A on the plus strand (C>T on the coding strand, the complement: POLE is on the minus strand). VCF-style: chr12-132642558-G-A. GRCh37 (hg19) VCF-style: chr12-133219144-G-A.
Other names: short protein forms R1634C.
Identifiers: ClinVar variation 240544 (VCV000240544.22), dbSNP rs769762523, ClinGen allele CA6892685.